The following is an entry in ClinVar:

NM_001128178.3(NPHP1):c.1830C>G (p.His610Gln)

Gene: NPHP1 (nephrocystin 1; minus strand). Cytogenetic location: 2q13.
Variant type: single nucleotide variant.
Coding change: c.1830C>G on transcript NM_001128178.3 (MANE Select); coding-DNA position 1830, C replaced by G.
Protein change: p.His610Gln; replaces histidine 610 with glutamine.
Molecular consequence: missense variant. On other transcripts: 3 prime UTR variant (1).
Genome position (GRCh38, 1-based): chr2:110,123,995, G>C on the plus strand (C>G on the coding strand, the complement: NPHP1 is on the minus strand). VCF-style: chr2-110123995-G-C. GRCh37 (hg19) VCF-style: chr2-110881572-G-C.
Other names: c.1998C>G, p.His666Gln (NM_000272.5); c.1641C>G, p.His547Gln (NM_001128179.3); c.1827C>G, p.His609Gln (NM_001374256.1); c.*72C>G (NM_001374257.1); c.1995C>G, p.His665Gln (NM_207181.4); short protein forms H547Q, H609Q, H666Q, H665Q, H610Q.
Identifiers: ClinVar variation 4991245 (VCV004991245.1).
Genomic context (GRCh38, chr2:110,123,995, plus strand): 5'-TTTCCACCGTGCAGTCTCAGTCTCTTCTTCTGCCCACCTGAATGGGGGTAGGCGTGTGGA[G>C]TGGAGAAGTGGGAGCACGCAGTCATGGTAAACCAGGAGAAACGTGGACTTCAGGAACTCT-3'
Protein context (NP_001121650.1, residues 600-620): VYHDCVLPLL[His610Gln]STRLPPFRWA

ClinVar aggregate classification (germline): Uncertain significance (1 of 4 stars; one submission).

Conditions:
NPHP1-related disorder. Also called: NPHP1-related disorders; NPHP1-related condition.

Submission:

PreventionGenetics, part of Exact Sciences
Classification: Uncertain significance for NPHP1-related condition. Last evaluated: 2026-05-22. Review status: criteria provided, single submitter. Criteria: ACMG Guidelines, 2015. Collection method: clinical testing. Allele origin: germline.
Comment: The NPHP1 c.1998C>G variant is predicted to result in the amino acid substitution p.His666Gln. To our knowledge, this variant has not been reported in the literature. This variant is reported in 0.0062% of alleles in individuals of African descent in gnomAD. At this time, the clinical significance of this variant is uncertain due to the absence of conclusive functional and genetic evidence.